The following is an entry in ClinVar:

ClinVar aggregate classification (germline): Uncertain significance (1 of 4 stars; one submission).

Submission:

Labcorp Genetics (formerly Invitae), Labcorp
Classification: Uncertain significance. Last evaluated: 2024-05-24. Review status: criteria provided, single submitter. Criteria: Invitae Variant Classification Sherloc (09022015). Collection method: clinical testing. Allele origin: germline.
Comment: This sequence change replaces methionine, which is neutral and non-polar, with valine, which is neutral and non-polar, at codon 662 of the SLC4A11 protein (p.Met662Val). This variant is present in population databases (rs370663422, gnomAD 0.0009%). This variant has not been reported in the literature in individuals affected with SLC4A11-related conditions. Advanced modeling of protein sequence and biophysical properties (such as structural, functional, and spatial information, amino acid conservation, physicochemical variation, residue mobility, and thermodynamic stability) has been performed at Invitae for this missense variant, however the output from this modeling did not meet the statistical confidence thresholds required to predict the impact of this variant on SLC4A11 protein function. In summary, the available evidence is currently insufficient to determine the role of this variant in disease. Therefore, it has been classified as a Variant of Uncertain Significance.

NM_001174089.2(SLC4A11):c.1936A>G (p.Met646Val)

Gene: SLC4A11 (solute carrier family 4 member 11; minus strand). Cytogenetic location: 20p13.
Variant type: single nucleotide variant.
Coding change: c.1936A>G on transcript NM_001174089.2 (MANE Select); coding-DNA position 1936, A replaced by G.
Protein change: p.Met646Val; replaces methionine 646 with valine.
Molecular consequence: missense variant. On other transcripts: non-coding transcript variant (3).
Genome position (GRCh38, 1-based): chr20:3,229,177, T>C on the plus strand (A>G on the coding strand, the complement: SLC4A11 is on the minus strand). VCF-style: chr20-3229177-T-C. GRCh37 (hg19) VCF-style: chr20-3209823-T-C.
Other names: c.2065A>G, p.Met689Val (NM_001174090.2); c.1822A>G, p.Met608Val (NM_001363745.2); c.1879A>G, p.Met627Val (NM_001400277.1, NM_001400278.1, NM_001400279.1); c.1951A>G, p.Met651Val (NM_001400280.1); c.1984A>G, p.Met662Val (NM_032034.4); short protein forms M627V, M646V, M651V, M689V, M608V, M662V.
Identifiers: ClinVar variation 3696384 (VCV003696384.2).